The following is an entry in ClinVar:

ClinVar aggregate classification (germline): Benign/Likely benign. Review status: criteria provided, multiple submitters, no conflicts (2 of 4 stars). 3 submissions from 3 submitters: Benign (1); Likely benign (2). Last evaluated 2024-04-23.

Conditions:
Hereditary cancer-predisposing syndrome. Also called: Tumor predisposition; Hereditary Cancer Syndrome; Neoplastic Syndromes, Hereditary; Hereditary neoplastic syndrome. Identifiers: Orphanet 140162, MedGen C0027672, MeSH D009386, MONDO:0015356.
Familial cancer of breast. Also called: Hereditary breast cancer; hereditary breast carcinoma; BREAST CANCER, FAMILIAL. Identifiers: Orphanet 227535, MedGen C0346153, MONDO:0016419, OMIM 114480. Disease mechanism: loss of function.
Ataxia-telangiectasia syndrome (AT). Also called: Cerebello-oculocutaneous telangiectasia; Immunodeficiency with ataxia telangiectasia; Ataxia-telangiectasia, complementation group D; AT, COMPLEMENTATION GROUP C; Ataxia-telangiectasia, complementation group E; LOUIS-BAR SYNDROME. Identifiers: Orphanet 100, MedGen C0004135, MONDO:0008840, OMIM 208900.

Submissions (3):

Myriad Genetics, Inc.
Classification: Benign for Familial cancer of breast. Last evaluated: 2024-04-23. Review status: criteria provided, single submitter. Criteria: Myriad Autosomal Dominant, Autosomal Recessive and X-Linked Classification Criteria (2023). Collection method: clinical testing. Allele origin: unknown.
Comment: This variant is considered benign. This variant is a silent/synonymous amino acid change and it is not expected to impact splicing.

Labcorp Genetics (formerly Invitae), Labcorp
Classification: Likely benign for Ataxia-telangiectasia syndrome. Last evaluated: 2024-04-15. Review status: criteria provided, single submitter. Criteria: Invitae Variant Classification Sherloc (09022015). Collection method: clinical testing. Allele origin: germline.

Ambry Genetics
Classification: Likely benign for Hereditary cancer-predisposing syndrome. Last evaluated: 2015-11-19. Review status: criteria provided, single submitter. Criteria: Ambry Variant Classification Scheme 2023. Collection method: clinical testing. Allele origin: germline.

NM_000051.4(ATM):c.750A>G (p.Arg250=)

Gene: ATM (ATM serine/threonine kinase; plus strand). Cytogenetic location: 11q22.3.
Variant type: single nucleotide variant.
Coding change: c.750A>G on transcript NM_000051.4 (MANE Select); coding-DNA position 750, A replaced by G.
Protein change: p.Arg250=; no amino-acid change (arginine 250 retained).
Molecular consequence: synonymous variant.
Genome position (GRCh38, 1-based): chr11:108,244,875, A>G. VCF-style: chr11-108244875-A-G. GRCh37 (hg19) VCF-style: chr11-108115602-A-G.
Other names: c.750A>G, p.Arg250= (NM_001351834.2).
Identifiers: ClinVar variation 453689 (VCV000453689.12), dbSNP rs1555067112, ClinGen allele CA476744694.